The following is an entry in ClinVar:

NM_005677.4(COLQ):c.569A>G (p.Glu190Gly)

Gene: COLQ (collagen like tail subunit of asymmetric acetylcholinesterase; minus strand). Cytogenetic location: 3p25.1.
Variant type: single nucleotide variant.
Coding change: c.569A>G on transcript NM_005677.4 (MANE Select); coding-DNA position 569, A replaced by G.
Protein change: p.Glu190Gly; replaces glutamic acid 190 with glycine.
Molecular consequence: missense variant.
Genome position (GRCh38, 1-based): chr3:15,474,259, T>C on the plus strand (A>G on the coding strand, the complement: COLQ is on the minus strand). VCF-style: chr3-15474259-T-C. GRCh37 (hg19) VCF-style: chr3-15515766-T-C.
Other names: c.539A>G, p.Glu180Gly (NM_080538.2); c.467A>G, p.Glu156Gly (NM_080539.4); short protein forms E190G, E180G, E156G.
Identifiers: ClinVar variation 937199 (VCV000937199.8), dbSNP rs377364923, ClinGen allele CA2276089.

ClinVar aggregate classification (germline): Uncertain significance. Review status: criteria provided, multiple submitters, no conflicts (2 of 4 stars). 2 submissions from 2 submitters: Uncertain significance (2). Last evaluated 2024-12-21.

Conditions:
Congenital myasthenic syndrome 5. Identifiers: Orphanet 590, MedGen C1864233, MONDO:0011281, OMIM 603034.
Inborn genetic diseases. Identifiers: MedGen C0950123, MeSH D030342.

Allele frequency attached by ClinVar (database versions not stated): ExAC 0.00001; TOPMed 0.00001; gnomAD exomes 0.00002; ESP Exome Variant Server 0.00008.
gnomAD v4.1: 30 of 1,614,036 alleles (0.0019%); highest among the groups gnomAD compares: Non-Finnish European, 0.0025%; no homozygotes.

Submissions (2):

Ambry Genetics
Classification: Uncertain significance for Inborn genetic diseases. Last evaluated: 2024-12-21. Review status: criteria provided, single submitter. Criteria: Ambry Variant Classification Scheme 2023. Collection method: clinical testing. Allele origin: germline.

Labcorp Genetics (formerly Invitae), Labcorp
Classification: Uncertain significance for Congenital myasthenic syndrome 5. Last evaluated: 2021-08-24. Review status: criteria provided, single submitter. Criteria: Invitae Variant Classification Sherloc (09022015). Collection method: clinical testing. Allele origin: germline.
Comment: This sequence change replaces glutamic acid with glycine at codon 190 of the COLQ protein (p.Glu190Gly). The glutamic acid residue is highly conserved and there is a moderate physicochemical difference between glutamic acid and glycine. This variant is present in population databases (rs377364923, ExAC 0.01%). This variant has not been reported in the literature in individuals affected with COLQ-related conditions. Algorithms developed to predict the effect of missense changes on protein structure and function are either unavailable or do not agree on the potential impact of this missense change (SIFT: "Deleterious"; PolyPhen-2: "Not Available"; Align-GVGD: "Class C15"). In summary, the available evidence is currently insufficient to determine the role of this variant in disease. Therefore, it has been classified as a Variant of Uncertain Significance.